The following is an entry in ClinVar:

NM_005334.3(HCFC1):c.1080G>T (p.Glu360Asp)

Gene: HCFC1 (host cell factor C1; minus strand). Cytogenetic location: Xq28.
Variant type: single nucleotide variant.
Coding change: c.1080G>T on transcript NM_005334.3 (MANE Select); coding-DNA position 1080, G replaced by T.
Protein change: p.Glu360Asp; replaces glutamic acid 360 with aspartic acid.
Molecular consequence: missense variant.
Genome position (GRCh38, 1-based): chrX:153,960,239, C>A on the plus strand (G>T on the coding strand, the complement: HCFC1 is on the minus strand). VCF-style: chrX-153960239-C-A. GRCh37 (hg19) VCF-style: chrX-153225690-C-A.
Other names: c.1080G>T, p.Glu360Asp (NM_001410705.1, NM_001440843.1, NM_001440844.1 and 7 more transcripts); short protein forms E360D.
Identifiers: ClinVar variation 4743247 (VCV004743247.1).

ClinVar aggregate classification (germline): Uncertain significance (1 of 4 stars; one submission).

Conditions:
Methylmalonic acidemia with homocystinuria, type cblX (MAHCX). Also called: INTELLECTUAL DEVELOPMENTAL DISORDER, X-LINKED 3. Identifiers: Orphanet 369962, MedGen C0796208, MONDO:0010657, OMIM 309541.

Submission:

Labcorp Genetics (formerly Invitae), Labcorp
Classification: Uncertain significance for Methylmalonic acidemia with homocystinuria, type cblX. Last evaluated: 2025-09-29. Review status: criteria provided, single submitter. Criteria: Invitae Variant Classification Sherloc (09022015). Collection method: clinical testing. Allele origin: germline.
Comment: This sequence change replaces glutamic acid, which is acidic and polar, with aspartic acid, which is acidic and polar, at codon 360 of the HCFC1 protein (p.Glu360Asp). This variant is not present in population databases (gnomAD no frequency). This variant has not been reported in the literature in individuals affected with HCFC1-related conditions. Invitae Evidence Modeling of protein sequence and biophysical properties (such as structural, functional, and spatial information, amino acid conservation, physicochemical variation, residue mobility, and thermodynamic stability) indicates that this missense variant is expected to disrupt HCFC1 protein function with a positive predictive value of 80%. In summary, the available evidence is currently insufficient to determine the role of this variant in disease. Therefore, it has been classified as a Variant of Uncertain Significance.